The following is an entry in ClinVar:

NM_032436.4(CHAMP1):c.122G>T (p.Cys41Phe)

Gene: CHAMP1 (chromosome alignment maintaining phosphoprotein 1; plus strand). Cytogenetic location: 13q34.
Variant type: single nucleotide variant.
Coding change: c.122G>T on transcript NM_032436.4 (MANE Select); coding-DNA position 122, G replaced by T.
Protein change: p.Cys41Phe; replaces cysteine 41 with phenylalanine.
Molecular consequence: missense variant.
Genome position (GRCh38, 1-based): chr13:114,323,964, G>T. VCF-style: chr13-114323964-G-T. GRCh37 (hg19) VCF-style: chr13-115089439-G-T.
Other names: c.122G>T, p.Cys41Phe (NM_001164144.3, NM_001164145.3); short protein forms C41F.
Identifiers: ClinVar variation 4086717 (VCV004086717.1).

ClinVar aggregate classification (germline): Uncertain significance (1 of 4 stars; one submission).

Submission:

GeneDx
Classification: Uncertain significance. Last evaluated: 2025-03-17. Review status: criteria provided, single submitter. Criteria: GeneDx Variant Classification Process June 2021. Collection method: clinical testing. Allele origin: germline. Affected: yes.
Comment: Not observed at significant frequency in large population cohorts (gnomAD); In silico analysis supports that this missense variant has a deleterious effect on protein structure/function; Has not been previously published as pathogenic or benign to our knowledge